The following is an entry in ClinVar:

ClinVar aggregate classification (germline): Uncertain significance (1 of 4 stars; one submission).

Allele frequency attached by ClinVar (database versions not stated): gnomAD exomes below 0.00001; ExAC 0.00001.
gnomAD v4.1: 2 of 1,577,468 alleles (0.00013%); highest among the groups gnomAD compares: Non-Finnish European, 0.00017%; no homozygotes.

Submission:

Labcorp Genetics (formerly Invitae), Labcorp
Classification: Uncertain significance. Last evaluated: 2023-01-22. Review status: criteria provided, single submitter. Criteria: Invitae Variant Classification Sherloc (09022015). Collection method: clinical testing. Allele origin: germline.
Comment: In summary, the available evidence is currently insufficient to determine the role of this variant in disease. Therefore, it has been classified as a Variant of Uncertain Significance. Algorithms developed to predict the effect of missense changes on protein structure and function (SIFT, PolyPhen-2, Align-GVGD) all suggest that this variant is likely to be tolerated. This variant has not been reported in the literature in individuals affected with DZIP1L-related conditions. This variant is present in population databases (rs772774775, gnomAD 0.002%). This sequence change replaces glutamic acid, which is acidic and polar, with aspartic acid, which is acidic and polar, at codon 550 of the DZIP1L protein (p.Glu550Asp).

NM_173543.3(DZIP1L):c.1650G>C (p.Glu550Asp)

Gene: DZIP1L (DAZ interacting zinc finger protein 1 like; minus strand). Cytogenetic location: 3q22.3.
Variant type: single nucleotide variant.
Coding change: c.1650G>C on transcript NM_173543.3 (MANE Select); coding-DNA position 1650, G replaced by C.
Protein change: p.Glu550Asp; replaces glutamic acid 550 with aspartic acid.
Molecular consequence: missense variant.
Genome position (GRCh38, 1-based): chr3:138,068,333, C>G on the plus strand (G>C on the coding strand, the complement: DZIP1L is on the minus strand). VCF-style: chr3-138068333-C-G. GRCh37 (hg19) VCF-style: chr3-137787175-C-G.
Other names: short protein forms E550D.
Identifiers: ClinVar variation 2995770 (VCV002995770.3), dbSNP rs772774775, ClinGen allele CA2634847.